The following is an entry in ClinVar:

NM_001161352.2(KCNMA1):c.454G>A (p.Val152Met)

Gene: KCNMA1 (potassium calcium-activated channel subfamily M alpha 1; minus strand). Cytogenetic location: 10q22.3.
Variant type: single nucleotide variant.
Coding change: c.454G>A on transcript NM_001161352.2 (MANE Select); coding-DNA position 454, G replaced by A.
Protein change: p.Val152Met; replaces valine 152 with methionine.
Molecular consequence: missense variant. On other transcripts: intron variant (1).
Genome position (GRCh38, 1-based): chr10:77,403,948, C>T on the plus strand (G>A on the coding strand, the complement: KCNMA1 is on the minus strand). VCF-style: chr10-77403948-C-T. GRCh37 (hg19) VCF-style: chr10-79163706-C-T.
Other names: c.454G>A, p.Val152Met (NM_002247.4, NM_001014797.3, NM_001161353.2 and 7 more transcripts); c.379-152692G>A (NM_001271518.2); short protein forms V152M.
Identifiers: ClinVar variation 950039 (VCV000950039.10), dbSNP rs2096373042, ClinGen allele CA377411104.

ClinVar aggregate classification (germline): Uncertain significance (1 of 4 stars; one submission).

Conditions:
Generalized epilepsy-paroxysmal dyskinesia syndrome (PNKD3). Also called: Generalized epilepsy and paroxysmal dyskinesia; Paroxysmal nonkinesigenic dyskinesia, 3, with or without generalized epilepsy. Identifiers: Orphanet 79137, MedGen C5574945, MONDO:0012276, OMIM 609446.

gnomAD v4.1: 2 of 1,614,204 alleles (0.00012%); highest among the groups gnomAD compares: Non-Finnish European, 0.00017%; no homozygotes.

Submission:

Labcorp Genetics (formerly Invitae), Labcorp
Classification: Uncertain significance for Generalized epilepsy-paroxysmal dyskinesia syndrome. Last evaluated: 2019-07-02. Review status: criteria provided, single submitter. Criteria: Invitae Variant Classification Sherloc (09022015). Collection method: clinical testing. Allele origin: germline.
Comment: This variant is not present in population databases (ExAC no frequency). In summary, the available evidence is currently insufficient to determine the role of this variant in disease. Therefore, it has been classified as a Variant of Uncertain Significance. Algorithms developed to predict the effect of missense changes on protein structure and function (SIFT, PolyPhen-2, Align-GVGD) all suggest that this variant is likely to be tolerated, but these predictions have not been confirmed by published functional studies and their clinical significance is uncertain. This variant has not been reported in the literature in individuals with KCNMA1-related conditions. This sequence change replaces valine with methionine at codon 152 of the KCNMA1 protein (p.Val152Met). The valine residue is weakly conserved and there is a small physicochemical difference between valine and methionine.